The following is an entry in ClinVar:

ClinVar aggregate classification (germline): Pathogenic (1 of 4 stars; one submission).

Submission:

Labcorp Genetics (formerly Invitae), Labcorp
Classification: Pathogenic. Last evaluated: 2023-07-03. Review status: criteria provided, single submitter. Criteria: Invitae Variant Classification Sherloc (09022015). Collection method: clinical testing. Allele origin: germline.
Comment: ClinVar contains an entry for this variant (Variation ID: 1074286). This variant has not been reported in the literature in individuals affected with ARID1B-related conditions. This variant is not present in population databases (gnomAD no frequency). This sequence change creates a premature translational stop signal (p.Met1567Ilefs*12) in the ARID1B gene. It is expected to result in an absent or disrupted protein product. Loss-of-function variants in ARID1B are known to be pathogenic (PMID: 25674384, 30349098). For these reasons, this variant has been classified as Pathogenic.

Literature cited by the submitters: PubMed 25674384; PubMed 30349098.

NM_001374828.1(ARID1B):c.5070del (p.Met1690fs)

Gene: ARID1B (AT-rich interaction domain 1B; plus strand). Cytogenetic location: 6q25.3.
Variant type: Deletion.
Coding change: c.5070del on transcript NM_001374828.1 (MANE Select); coding-DNA position 5070, one base deleted (G; older notation c.5070delG).
Protein change: p.Met1690fs; shifts the reading frame from methionine 1690.
Molecular consequence: frameshift variant.
Genome position (GRCh38, 1-based): chr6:157,201,295, G deleted. VCF-style (leftmost placement, unchanged base first): chr6-157201294-TG-T. GRCh37 (hg19) VCF-style: chr6-157522428-TG-T.
Other names: c.2571del, p.Met857fs (NM_001363725.2); c.4950del, p.Met1650fs (NM_001371656.1, NM_001374820.1); c.4911del, p.Met1637fs (NM_017519.3); short protein forms M1637fs, M1650fs, M1690fs, M857fs.
Identifiers: ClinVar variation 1074286 (VCV001074286.7), dbSNP rs2128375760, ClinGen allele CA2499218173.